The following is an entry in ClinVar:

NM_001267550.2(TTN):c.44854C>T (p.Gln14952Ter)

Gene: TTN (titin; minus strand). Cytogenetic location: 2q31.2.
Variant type: single nucleotide variant.
Coding change: c.44854C>T on transcript NM_001267550.2 (MANE Select); coding-DNA position 44854, C replaced by T.
Protein change: p.Gln14952Ter; replaces glutamine 14952 with a stop codon.
Molecular consequence: nonsense.
Genome position (GRCh38, 1-based): chr2:178,622,729, G>A on the plus strand (C>T on the coding strand, the complement: TTN is on the minus strand). VCF-style: chr2-178622729-G-A. GRCh37 (hg19) VCF-style: chr2-179487456-G-A.
Other names: c.39931C>T, p.Gln13311Ter (NM_001256850.1); c.17659C>T, p.Gln5887Ter (NM_003319.4); c.37150C>T, p.Gln12384Ter (NM_133378.4); c.18034C>T, p.Gln6012Ter (NM_133432.3); c.18235C>T, p.Gln6079Ter (NM_133437.4); short protein forms Q13311*, Q6012*, Q6079*, Q14952*, Q5887*, Q12384*.
Identifiers: ClinVar variation 1522630 (VCV001522630.6), dbSNP rs2154213117, ClinGen allele CA349638896.

ClinVar aggregate classification (germline): Likely pathogenic (1 of 4 stars; one submission).

Conditions:
Dilated cardiomyopathy 1G (CMD1G). Identifiers: Orphanet 154, MedGen C1858763, MONDO:0011400, OMIM 604145.
Autosomal recessive limb-girdle muscular dystrophy type 2J (LGMDR10). Also called: Limb-girdle muscular dystrophy, type 2J; MUSCULAR DYSTROPHY, LIMB-GIRDLE, AUTOSOMAL RECESSIVE 10. Identifiers: Orphanet 140922, MedGen C1837342, MONDO:0012127, OMIM 608807.

Submission:

Labcorp Genetics (formerly Invitae), Labcorp
Classification: Likely pathogenic for Dilated cardiomyopathy 1G; Autosomal recessive limb-girdle muscular dystrophy type 2J. Last evaluated: 2024-10-18. Review status: criteria provided, single submitter. Criteria: Invitae Variant Classification Sherloc (09022015). Collection method: clinical testing. Allele origin: germline.
Comment: This sequence change creates a premature translational stop signal (p.Gln14952*) in the TTN gene. While this is not anticipated to result in nonsense mediated decay, it is expected to create a truncated TTN protein. This variant is not present in population databases (gnomAD no frequency). This variant has not been reported in the literature in individuals affected with TTN-related conditions. ClinVar contains an entry for this variant (Variation ID: 1522630). This variant is located in the I band of TTN (PMID: 25589632). Truncating variants in this region have been reported in individuals affected with autosomal recessive centronuclear myopathy (PMID: 23975875, internal data). Truncating variants in this region have also been identified in individuals affected with autosomal dominant dilated cardiomyopathy and/or cardio-related conditions (PMID: 27869827, 32964742, internal data). In summary, the currently available evidence indicates that the variant is pathogenic, but additional data are needed to prove that conclusively. Therefore, this variant has been classified as Likely Pathogenic.

Literature cited by the submitters: PubMed 25589632; PubMed 23975875; PubMed 27869827; PubMed 32964742.